The following is an entry in ClinVar:

NM_002599.5(PDE2A):c.1546G>C (p.Gly516Arg)

Gene: PDE2A (phosphodiesterase 2A; minus strand). Cytogenetic location: 11q13.4.
Variant type: single nucleotide variant.
Coding change: c.1546G>C on transcript NM_002599.5 (MANE Select); coding-DNA position 1546, G replaced by C.
Protein change: p.Gly516Arg; replaces glycine 516 with arginine.
Molecular consequence: missense variant.
Genome position (GRCh38, 1-based): chr11:72,584,305, C>G on the plus strand (G>C on the coding strand, the complement: PDE2A is on the minus strand). VCF-style: chr11-72584305-C-G. GRCh37 (hg19) VCF-style: chr11-72295349-C-G.
Other names: c.1525G>C, p.Gly509Arg (NM_001143839.4); c.1519G>C, p.Gly507Arg (NM_001146209.3); c.1483G>C, p.Gly495Arg (NM_001243784.2); short protein forms G495R, G507R, G509R, G516R.
Identifiers: ClinVar variation 1698084 (VCV001698084.2), dbSNP rs2135284511, ClinGen allele CA381757752.

ClinVar aggregate classification (germline): Uncertain significance (1 of 4 stars; one submission).

Submission:

GeneDx
Classification: Uncertain significance. Last evaluated: 2022-01-20. Review status: criteria provided, single submitter. Criteria: GeneDx Variant Classification Process June 2021. Collection method: clinical testing. Allele origin: germline. Affected: yes.
Comment: Not observed at significant frequency in large population cohorts (gnomAD); In silico analysis supports that this missense variant has a deleterious effect on protein structure/function; Has not been previously published as pathogenic or benign to our knowledge